The following is an entry in ClinVar:

NM_001005361.3(DNM2):c.496C>T (p.Arg166Trp)

Gene: DNM2 (dynamin 2; plus strand). Cytogenetic location: 19p13.2.
Variant type: single nucleotide variant.
Coding change: c.496C>T on transcript NM_001005361.3 (MANE Select); coding-DNA position 496, C replaced by T.
Protein change: p.Arg166Trp; replaces arginine 166 with tryptophan.
Molecular consequence: missense variant.
Genome position (GRCh38, 1-based): chr19:10,775,813, C>T. VCF-style: chr19-10775813-C-T. GRCh37 (hg19) VCF-style: chr19-10886489-C-T.
Other names: c.496C>T, p.Arg166Trp (NM_001005360.3, NM_001005362.3, NM_001190716.2 and 1 more transcripts); short protein forms R166W.
Identifiers: ClinVar variation 949286 (VCV000949286.12), dbSNP rs1366377441, ClinGen allele CA404042694.

ClinVar aggregate classification (germline): Uncertain significance. Review status: criteria provided, multiple submitters, no conflicts (2 of 4 stars). 3 submissions from 3 submitters: Uncertain significance (3). Last evaluated 2025-08-11.

Conditions:
Charcot-Marie-Tooth disease dominant intermediate B (CMTDIB). Also called: Charcot-Marie-Tooth disease dominant intermediate 1; CMT DI1; Charcot-Marie-Tooth disease dominant intermediate I; CHARCOT-MARIE-TOOTH NEUROPATHY, DOMINANT INTERMEDIATE B. Identifiers: Orphanet 100044, Orphanet 228179, MedGen C1847902, MONDO:0011674, OMIM 606482.

Allele frequency attached by ClinVar (database versions not stated): gnomAD exomes below 0.00001 and 0.00002; gnomAD 0.00001; TOPMed 0.00001.

Submissions (3):

Labcorp Genetics (formerly Invitae), Labcorp
Classification: Uncertain significance for Charcot-Marie-Tooth disease dominant intermediate B. Last evaluated: 2025-08-11. Review status: criteria provided, single submitter. Criteria: Invitae Variant Classification Sherloc (09022015). Collection method: clinical testing. Allele origin: germline.
Comment: This sequence change replaces arginine, which is basic and polar, with tryptophan, which is neutral and slightly polar, at codon 166 of the DNM2 protein (p.Arg166Trp). This variant is present in population databases (no rsID available, gnomAD 0.0009%). This missense change has been observed in individual(s) with congenital myasthenic syndrome (PMID: 32978031). ClinVar contains an entry for this variant (Variation ID: 949286). Invitae Evidence Modeling of protein sequence and biophysical properties (such as structural, functional, and spatial information, amino acid conservation, physicochemical variation, residue mobility, and thermodynamic stability) has been performed for this missense variant. However, the output from this modeling did not meet the statistical confidence thresholds required to predict the impact of this variant on DNM2 protein function. In summary, the available evidence is currently insufficient to determine the role of this variant in disease. Therefore, it has been classified as a Variant of Uncertain Significance.

GeneDx
Classification: Uncertain significance. Last evaluated: 2025-06-12. Review status: criteria provided, single submitter. Criteria: GeneDx Variant Classification Process June 2021. Collection method: clinical testing. Allele origin: germline.
Comment: Previously reported as a variant of uncertain significance in an individual with a congenital myasthenic syndrome (PMID: 32978031); In silico analysis supports that this missense variant has a deleterious effect on protein structure/function; Not observed at significant frequency in large population cohorts (gnomAD); This variant is associated with the following publications: (PMID: 16227997, 32978031)

Revvity Omics, Revvity
Classification: Uncertain significance. Last evaluated: 2024-11-27. Review status: criteria provided, single submitter. Criteria: ACMG Guidelines, 2015. Collection method: clinical testing. Allele origin: germline.

Literature cited by the submitters: PubMed 32978031 (cited by Labcorp Genetics (formerly Invitae), Labcorp).